The following is an entry in ClinVar:

NM_002185.5(IL7R):c.538C>T (p.His180Tyr)

Gene: IL7R (interleukin 7 receptor; plus strand). Cytogenetic location: 5p13.2.
Variant type: single nucleotide variant.
Coding change: c.538C>T on transcript NM_002185.5 (MANE Select); coding-DNA position 538, C replaced by T.
Protein change: p.His180Tyr; replaces histidine 180 with tyrosine.
Molecular consequence: missense variant.
Genome position (GRCh38, 1-based): chr5:35,873,480, C>T. VCF-style: chr5-35873480-C-T. GRCh37 (hg19) VCF-style: chr5-35873582-C-T.
Other names: short protein forms H180Y.
Identifiers: ClinVar variation 859250 (VCV000859250.7), dbSNP rs780435478, ClinGen allele CA3232022.
Genomic context (GRCh38, chr5:35,873,480, plus strand): 5'-GGAGATTTAGGCAACACCTCTTTTCCCATCCTAAGAATGTAACTGCACTCTACTCTCTAG[C>T]ATGTGAATTTATCCAGCACAAAGCTGACACTCCTGCAGAGAAAGCTCCAACCGGCAGCAA-3'
Protein context (NP_002176.2, residues 170-190): RQEKDENKWT[His180Tyr]VNLSSTKLTL

ClinVar aggregate classification (germline): Uncertain significance (1 of 4 stars; one submission).

Conditions:
Immunodeficiency 104. Also called: Severe combined immunodeficiency, autosomal recessive, T cell-negative, B cell-positive, NK cell-positive; SCID, AUTOSOMAL RECESSIVE, T CELL-NEGATIVE, B CELL-POSITIVE, NK CELL-POSITIVE; IMMUNODEFICIENCY 104, SEVERE COMBINED; Severe Combined Immune Deficiency, Autosomal Recessive, TCell -Negative, B Cell-Positive, NK Cell-Positive, IL7R-Related. Identifiers: MedGen C5676890, MONDO:0012163, OMIM 608971.

Allele frequency attached by ClinVar (database versions not stated): gnomAD exomes 0.00001; ExAC 0.00002; TOPMed 0.00002; gnomAD 0.00003.
gnomAD v4.1: 13 of 1,613,280 alleles (0.00081%); highest among the groups gnomAD compares: Admixed American, 0.0017%; no homozygotes.

Submission:

Labcorp Genetics (formerly Invitae), Labcorp
Classification: Uncertain significance for Immunodeficiency 104. Last evaluated: 2021-09-01. Review status: criteria provided, single submitter. Criteria: Invitae Variant Classification Sherloc (09022015). Collection method: clinical testing. Allele origin: germline.
Comment: This sequence change replaces histidine with tyrosine at codon 180 of the IL7R protein (p.His180Tyr). The histidine residue is moderately conserved and there is a moderate physicochemical difference between histidine and tyrosine. This variant is present in population databases (rs780435478, ExAC 0.003%). This variant has not been reported in the literature in individuals affected with IL7R-related conditions. Algorithms developed to predict the effect of missense changes on protein structure and function are either unavailable or do not agree on the potential impact of this missense change (SIFT: "Tolerated"; PolyPhen-2: "Possibly Damaging"; Align-GVGD: "Class C0"). Algorithms developed to predict the effect of sequence changes on RNA splicing suggest that this variant may create or strengthen a splice site. In summary, the available evidence is currently insufficient to determine the role of this variant in disease. Therefore, it has been classified as a Variant of Uncertain Significance.